The following is an entry in ClinVar:

NM_001378414.1(HDAC4):c.411C>T (p.His137=)

Gene: HDAC4 (histone deacetylase 4; minus strand). Cytogenetic location: 2q37.3.
Variant type: single nucleotide variant.
Coding change: c.411C>T on transcript NM_001378414.1 (MANE Select); coding-DNA position 411, C replaced by T.
Protein change: p.His137=; no amino-acid change (histidine 137 retained).
Molecular consequence: synonymous variant.
Genome position (GRCh38, 1-based): chr2:239,176,492, G>A on the plus strand (C>T on the coding strand, the complement: HDAC4 is on the minus strand). VCF-style: chr2-239176492-G-A. GRCh37 (hg19) VCF-style: chr2-240098188-G-A.
Other names: c.411C>T, p.His137= (NM_001378415.1, NM_001378416.1, NM_001378417.1 and 1 more transcripts).
Identifiers: ClinVar variation 3039731 (VCV003039731.2), dbSNP rs755806718, ClinGen allele CA2200274.

ClinVar aggregate classification (germline): Likely benign (0 of 4 stars; one submission).

Conditions:
HDAC4-related disorder. Also called: HDAC4-related condition.

Allele frequency attached by ClinVar (database versions not stated): gnomAD 0.00001; gnomAD exomes 0.00002; ExAC 0.00005.
gnomAD v4.1: 27 of 1,613,340 alleles (0.0017%); highest among the groups gnomAD compares: South Asian, 0.027%; 1 homozygote.

Submission:

PreventionGenetics, part of Exact Sciences
Classification: Likely benign for HDAC4-related condition. Last evaluated: 2019-05-24. Review status: no assertion criteria provided. Collection method: clinical testing. Allele origin: germline.
Comment: This variant is classified as likely benign based on ACMG/AMP sequence variant interpretation guidelines (Richards et al. 2015 PMID: 25741868, with internal and published modifications).